The following is an entry in ClinVar:

NM_001388492.1(HTT):c.4765A>G (p.Ile1589Val)

Gene: HTT (huntingtin; plus strand). Cytogenetic location: 4p16.3.
Variant type: single nucleotide variant.
Coding change: c.4765A>G on transcript NM_001388492.1 (MANE Select); coding-DNA position 4765, A replaced by G.
Protein change: p.Ile1589Val; replaces isoleucine 1589 with valine.
Molecular consequence: missense variant.
Genome position (GRCh38, 1-based): chr4:3,182,369, A>G. VCF-style: chr4-3182369-A-G. GRCh37 (hg19) VCF-style: chr4-3184096-A-G.
Other names: c.4771A>G, p.Ile1591Val (NM_002111.8); short protein forms I1589V, I1591V.
Identifiers: ClinVar variation 1418643 (VCV001418643.3), dbSNP rs745531676, ClinGen allele CA2824539.

ClinVar aggregate classification (germline): Uncertain significance (1 of 4 stars; one submission).

Allele frequency attached by ClinVar (database versions not stated): gnomAD 0.00001; gnomAD exomes 0.00001 and 0.00006; ExAC 0.00002; TOPMed 0.00002.
gnomAD v4.1: 88 of 1,613,148 alleles (0.0055%); highest among the groups gnomAD compares: Non-Finnish European, 0.0071%; no homozygotes.

Submission:

Labcorp Genetics (formerly Invitae), Labcorp
Classification: Uncertain significance. Last evaluated: 2022-02-08. Review status: criteria provided, single submitter. Criteria: Invitae Variant Classification Sherloc (09022015). Collection method: clinical testing. Allele origin: germline.
Comment: This sequence change replaces isoleucine, which is neutral and non-polar, with valine, which is neutral and non-polar, at codon 1591 of the HTT protein (p.Ile1591Val). This variant is present in population databases (rs745531676, gnomAD 0.003%). This variant has not been reported in the literature in individuals affected with HTT-related conditions. Experimental studies and prediction algorithms are not available or were not evaluated, and the functional significance of this variant is currently unknown. In summary, the available evidence is currently insufficient to determine the role of this variant in disease. Therefore, it has been classified as a Variant of Uncertain Significance.